The following is an entry in ClinVar:

ClinVar aggregate classification (germline): Uncertain significance (1 of 4 stars; one submission).

Conditions:
Emery-Dreifuss muscular dystrophy 5, autosomal dominant (EDMD5). Also called: EMERY-DREIFUSS MUSCULAR DYSTROPHY 5. Identifiers: Orphanet 261, MedGen C2751805, MONDO:0013072, OMIM 612999.

Submission:

Labcorp Genetics (formerly Invitae), Labcorp
Classification: Uncertain significance for Emery-Dreifuss muscular dystrophy 5, autosomal dominant. Last evaluated: 2025-02-15. Review status: criteria provided, single submitter. Criteria: Invitae Variant Classification Sherloc (09022015). Collection method: clinical testing. Allele origin: germline.
Comment: This sequence change replaces aspartic acid, which is acidic and polar, with valine, which is neutral and non-polar, at codon 1390 of the SYNE2 protein (p.Asp1390Val). This variant is not present in population databases (gnomAD no frequency). This variant has not been reported in the literature in individuals affected with SYNE2-related conditions. An algorithm developed to predict the effect of missense changes on protein structure and function (PolyPhen-2) suggests that this variant is likely to be disruptive. In summary, the available evidence is currently insufficient to determine the role of this variant in disease. Therefore, it has been classified as a Variant of Uncertain Significance.

NM_182914.3(SYNE2):c.4169A>T (p.Asp1390Val)

Gene: SYNE2 (spectrin repeat containing nuclear envelope protein 2; plus strand). Cytogenetic location: 14q23.2.
Variant type: single nucleotide variant.
Coding change: c.4169A>T on transcript NM_182914.3 (MANE Select); coding-DNA position 4169, A replaced by T.
Protein change: p.Asp1390Val; replaces aspartic acid 1390 with valine.
Molecular consequence: missense variant.
Genome position (GRCh38, 1-based): chr14:64,003,102, A>T. VCF-style: chr14-64003102-A-T. GRCh37 (hg19) VCF-style: chr14-64469820-A-T.
Other names: c.4169A>T, p.Asp1390Val (NM_015180.6); short protein forms D1390V.
Identifiers: ClinVar variation 4801548 (VCV004801548.1).